The following is an entry in ClinVar:

ClinVar aggregate classification (germline): Conflicting classifications of pathogenicity. Review status: criteria provided, conflicting classifications (1 of 4 stars). 9 submissions from 9 submitters: Pathogenic (1); Likely pathogenic (3); Uncertain significance (5). Last evaluated 2026-01-12.

Conditions:
Cardiovascular phenotype. Identifiers: MedGen CN230736.
Familial isolated arrhythmogenic right ventricular dysplasia. Identifiers: Orphanet 217656, MedGen C4274968, MONDO:0016342.
Cardiomyopathy (CMYO). Also called: Cardiomyopathies. Identifiers: Orphanet 167848, MedGen C0878544, MONDO:0004994, HP:0001638. Inheritance: Various modes of inheritance.
Arrhythmogenic right ventricular dysplasia 9 (ARVD9). Also called: Arrhythmogenic Right Ventricular Dysplasia/Cardiomyopathy 9; ARRHYTHMOGENIC RIGHT VENTRICULAR DYSPLASIA, FAMILIAL, 9. Identifiers: MedGen C1836906, MONDO:0012180, OMIM 609040.

Allele frequency attached by ClinVar (database versions not stated): ExAC 0.00002; TOPMed 0.00002; gnomAD 0.00003 and 0.00004.
gnomAD v4.1: 27 of 1,613,334 alleles (0.0017%); highest among the groups gnomAD compares: African/African-American, 0.0027%; no homozygotes.

Submissions 1 to 7 of 10:

Women's Health and Genetics/Laboratory Corporation of America, LabCorp
Classification: Pathogenic for Familial isolated arrhythmogenic right ventricular dysplasia. Last evaluated: 2026-01-12. Review status: criteria provided, single submitter. Criteria: LabCorp Variant Classification Summary - May 2015. Collection method: clinical testing. Allele origin: germline.
Comment: Variant summary: PKP2 c.2484C>T results in a synonymous change. Several computational tools predict a significant impact on normal splicing: Four predict the variant creates a 5' donor site. At least one publication reports experimental evidence that this variant creates a cryptic splice site and introduces a premature termination codon (Awad_2006). The variant allele was found at a frequency of 1.8e-05 in 279444 control chromosomes. c.2484C>T has been reported in the literature in the homozygous and compound heterozygous states in individuals affected with Arrhythmogenic Right Ventricular Dysplasia (ARVD)/Cardiomyopathy (Awad_2006, Bhonsale_2013, Janin_2022, Ali_2018) and homozygous in at least one asymptomatic individual with abnormal EEG findings (Perrin_2013). Heterozygous individuals have been reported as unaffected (e.g. Awad_2006, Yang_2022). These data indicate that the variant is likely to be associated with autosomal recessive disease. At least one experimental study using iPSC cardiomyocyte cell lines homozygous for this variant showed that these cells exhibit characteristics of Arrhythmogenic Right Ventricular Dysplasia (e.g. Wen_2015). The following publications have been ascertained in the context of this evaluation (PMID: 29961461, 17041889, 23671136, 35838873, 23810883, 25971409, 36129056). ClinVar contains an entry for this variant (Variation ID: 178879). To our knowledge, this variant has not been reported in patients with autosomal dominant ARVD. Based on the evidence outlined above, the variant was classified as pathogenic for autosomal recessive ARVD.

Labcorp Genetics (formerly Invitae), Labcorp
Classification: Likely pathogenic for Arrhythmogenic right ventricular dysplasia 9. Last evaluated: 2025-10-25. Review status: criteria provided, single submitter. Criteria: Invitae Variant Classification Sherloc (09022015). Collection method: clinical testing. Allele origin: germline.
Comment: This sequence change affects codon 828 of the PKP2 mRNA. It is a 'silent' change, meaning that it does not change the encoded amino acid sequence of the PKP2 protein. RNA analysis indicates that this variant induces altered splicing and likely disrupts the C-terminus of the protein. This variant is present in population databases (rs727504509, gnomAD 0.004%). This variant has been observed in individuals with arrhythmogenic right ventricular cardiomyopathy or clinical features of this condition in the homozygous state (PMID: 17041889, 23810883, 29961461). ClinVar contains an entry for this variant (Variation ID: 178879). Studies have shown that this variant results in partial skipping of exon 12 and introduces a new termination codon (PMID: 17041889). However the mRNA is not expected to undergo nonsense-mediated decay. In summary, the currently available evidence indicates that the variant is pathogenic, but additional data are needed to prove that conclusively. Therefore, this variant has been classified as Likely Pathogenic.

Color Diagnostics, LLC DBA Color Health
Classification: Uncertain significance for Cardiomyopathy. Last evaluated: 2025-07-07. Review status: criteria provided, single submitter. Criteria: ACMG Guidelines, 2015. Collection method: clinical testing. Allele origin: germline.
Comment: This synonymous variant in the PKP2 gene is predicted to impact RNA splicing by creating a new splice donor site 7 nucleotides upstream from the native donor site. A functional RNA study in cells derived from a homozygous individual has shown that this variant causes aberrant splicing and deletion of the last 7 nucleotides in exon 12 (PMID: 17041889). The ensuing frameshift is expected to disrupt the last 54 amino acids of PKP2 protein and extend the C-terminus by 48 amino acids. This variant has been reported in homozygosity in three unrelated individuals affected with arrhythmogenic right ventricular cardiomyopathy (ARVC) (PMID: 17041889, 29961461, 37418234). This variant has been observed in multiple individuals from the same cohort (PMID: 19358943, 20031617, 20857253, 23671136, 23810883, 23810894) and it is not clear how many unrelated, affected individuals are known to carry this variant. This variant has been identified in 5/282794 chromosomes in the general population by the Genome Aggregation Database (gnomAD). Although there is a suspicion that this variant may be associated with autosomal recessive ARVC, the available evidence is insufficient to determine the role of this variant in autosomal dominant ARVC conclusively. Therefore, this variant is classified as a Variant of Uncertain Significance.

Ambry Genetics
Classification: Likely pathogenic for Cardiovascular phenotype. Last evaluated: 2025-07-02. Review status: criteria provided, single submitter. Criteria: Ambry Variant Classification Scheme 2023. Collection method: clinical testing. Allele origin: germline.
Comment: The c.2484C>T variant (also known as p.G828G), located in coding exon 12 of the PKP2 gene, results from a C to T substitution at nucleotide position 2484. This nucleotide substitution does not change the glycine at codon 828. This variant has been reported in the homozygous state in individuals with arrhythmogenic right ventricular cardiomyopathy (ARVC); however, it has also been reported in an asymptomatic homozygote, as well as in unaffected heterozygotes (Awad MM et al. Hum. Mutat., 2006 Nov;27:1157; den Haan AD et al. Circ Cardiovasc Genet, 2009 Oct;2:428-35;Perrin MJ et al. J Am Coll Cardiol, 2013 Nov;62:1772-9; Ali M et al. Indian Heart J 2018 Oct;70:421-426). This nucleotide position is not well conserved in available vertebrate species. In silico splice site analysis predicts that this alteration will result in the creation or strengthening of a novel splice donor site. RNA studies demonstrated splicing impact in the majority of transcripts derived from the variant allele (Awad MM et al. Hum. Mutat., 2006 Nov;27:1157; Kim C et al. Nature, 2013 Feb;494:105-10). Based on the supporting evidence, this variant is likely to be pathogenic for arrhythmogenic right ventricular cardiomyopathy (ARVC) when present along with a second pathogenic variant on the other allele; however, its clinical significance in the heterozygous state is unclear.

CeGaT Center for Human Genetics Tuebingen
Classification: Uncertain significance. Last evaluated: 2022-10-01. Review status: criteria provided, single submitter. Criteria: CeGaT Center For Human Genetics Tuebingen Variant Classification Criteria Version 2. Collection method: clinical testing. Allele origin: germline. Affected: yes. Observed: 1 variant allele.
Comment: PKP2: PM2:Supporting, PP3

GeneDx
Classification: Uncertain significance. Last evaluated: 2022-09-02. Review status: criteria provided, single submitter. Criteria: GeneDx Variant Classification Process June 2021. Collection method: clinical testing. Allele origin: germline. Affected: yes.
Comment: Not observed at significant frequency in large population cohorts (gnomAD); In silico analysis supports a deleterious effect on splicing; Identified in isolation and in conjunction with additional cardiogenetic variants in individuals in the literature, but segregation data are limited or absent at this time (Ali et al., 2018; Dalal et al., 2009); Identified in at least two patients in the literature with ARVC who were homozygous for c.2484 C>T and heterozygous relatives were reported to be unaffected or asymptomatic (Awad et al., 2006; Tan et al., 2010; den Haan et al., 2009); This variant is associated with the following publications: (PMID: 23810883, 28573431, 17041889, 23354045, 29961461, 20857253, 20031617, 30205876, 19358943, 27030002, 31402444, 32180835, 33206225, 33595719, 35059364, 31963859, 33802229, 34079803, 33536939, 28329361, 23671136, 24352520, 24632794)

Laboratory for Molecular Medicine, Mass General Brigham Personalized Medicine
Classification: Uncertain significance. Last evaluated: 2019-01-30. Review status: criteria provided, single submitter. Criteria: LMM Criteria. Collection method: clinical testing. Allele origin: germline. Inheritance: Autosomal recessive inheritance. Observed: 1 variant allele.
Comment: Variant classified as Uncertain Significance - Favor Pathogenic. It was also identified in 2/66738 European chromosomes by the Exome Aggregation Consortium (ExAC; dbSNP rs727504509). mRNA studies showed that the 2484C>T variant results in a 7 bp deletion at the end of exon 12, resulting in a frameshift that extends the coding sequence by 145 bp (48 amino acids; Awad 2006, Kim 2013). While it is unclear if this variant would be disease-causing in isolation, the available evidence suggests that it is likely pathogenic when seen in homozygosity or with a second PKP2 variant. However, additional studies are needed to fully assess the clinical significance of this variant.

NM_001005242.3(PKP2):c.2352C>T (p.Gly784=)

Gene: PKP2 (plakophilin 2; minus strand). Cytogenetic location: 12p11.21.
Variant type: single nucleotide variant.
Coding change: c.2352C>T on transcript NM_001005242.3 (MANE Select); coding-DNA position 2352, C replaced by T.
Protein change: p.Gly784=; no amino-acid change (glycine 784 retained).
Molecular consequence: synonymous variant.
Genome position (GRCh38, 1-based): chr12:32,796,114, G>A on the plus strand (C>T on the coding strand, the complement: PKP2 is on the minus strand). VCF-style: chr12-32796114-G-A. GRCh37 (hg19) VCF-style: chr12-32949048-G-A.
Other names: p.G828G:GGC>GGT; c.2484C>T, p.Gly828= (NM_004572.4).
Identifiers: ClinVar variation 178879 (VCV000178879.62), dbSNP rs727504509, ClinGen allele CA012056.